The following is an entry in ClinVar:

ClinVar aggregate classification (germline): Uncertain significance. Review status: criteria provided, multiple submitters, no conflicts (2 of 4 stars). 2 submissions from 2 submitters: Uncertain significance (2). Last evaluated 2022-03-17.

Conditions:
Familial thoracic aortic aneurysm and aortic dissection (TAAD). Also called: Thoracic aortic aneurysms and dissections. Identifiers: Orphanet 91387, MedGen C4707243, MONDO:0019625.

Allele frequency attached by ClinVar (database versions not stated): gnomAD exomes below 0.00001 and 0.00001; TOPMed below 0.00001.
gnomAD v4.1: 4 of 1,596,982 alleles (0.00025%); highest among the groups gnomAD compares: Admixed American, 0.0017%; no homozygotes.

Submissions (2):

Labcorp Genetics (formerly Invitae), Labcorp
Classification: Uncertain significance for Familial thoracic aortic aneurysm and aortic dissection. Last evaluated: 2022-03-17. Review status: criteria provided, single submitter. Criteria: Invitae Variant Classification Sherloc (09022015). Collection method: clinical testing. Allele origin: germline.
Comment: This sequence change replaces serine, which is neutral and polar, with threonine, which is neutral and polar, at codon 192 of the SMAD3 protein (p.Ser192Thr). This variant is present in population databases (no rsID available, gnomAD 0.006%). This variant has not been reported in the literature in individuals affected with SMAD3-related conditions. ClinVar contains an entry for this variant (Variation ID: 922480). Advanced modeling of protein sequence and biophysical properties (such as structural, functional, and spatial information, amino acid conservation, physicochemical variation, residue mobility, and thermodynamic stability) performed at Invitae indicates that this missense variant is not expected to disrupt SMAD3 protein function. In summary, the available evidence is currently insufficient to determine the role of this variant in disease. Therefore, it has been classified as a Variant of Uncertain Significance.

Color Diagnostics, LLC DBA Color Health
Classification: Uncertain significance for Familial thoracic aortic aneurysm and aortic dissection. Last evaluated: 2018-12-04. Review status: criteria provided, single submitter. Criteria: ACMG Guidelines, 2015. Collection method: clinical testing. Allele origin: germline.
Comment: Variant of Uncertain Significance due to insufficient evidence: This missense variant is located in the linker region between MH1 DNA binding domain and MH2 protein interaction domain of the SMAD3 protein. Computational prediction tools and conservation analyses are inconclusive regarding the impact of this variant on the protein function. Computational splicing tools suggest that this variant may not impact RNA splicing. To our knowledge, functional assays have not been performed for this variant nor has this variant been reported in individuals affected with cardiovascular disorders in the literature. This variant has been identified in 3/218216 chromosomes in the general population by the Genome Aggregation Database (gnomAD). Available evidence is insufficient to determine the pathogenicity of this variant conclusively.

NM_005902.4(SMAD3):c.575G>C (p.Ser192Thr)

Gene: SMAD3 (SMAD family member 3; plus strand). Cytogenetic location: 15q22.33.
Variant type: single nucleotide variant.
Coding change: c.575G>C on transcript NM_005902.4 (MANE Select); coding-DNA position 575, G replaced by C.
Protein change: p.Ser192Thr; replaces serine 192 with threonine.
Molecular consequence: missense variant. On other transcripts: 5 prime UTR variant (1).
Genome position (GRCh38, 1-based): chr15:67,166,821, G>C. VCF-style: chr15-67166821-G-C. GRCh37 (hg19) VCF-style: chr15-67459159-G-C.
Other names: c.260G>C, p.Ser87Thr (NM_001145102.2); c.443G>C, p.Ser148Thr (NM_001145103.2); c.-11G>C (NM_001145104.2); short protein forms S192T, S148T, S87T.
Identifiers: ClinVar variation 922480 (VCV000922480.7), dbSNP rs1264997614, ClinGen allele CA392954737.
Genomic context (GRCh38, chr15:67,166,821, plus strand): 5'-CTTCCTTCTGATTCCCAGAGACCCCACCCCCTGGCTACCTGAGTGAAGATGGAGAAACCA[G>C]TGACCACCAGATGAACCACAGCATGGACGCAGGTCAGTCATGCAGGGTCATGCTCTTATT-3'
Protein context (NP_005893.1, residues 182-202): PGYLSEDGET[Ser192Thr]DHQMNHSMDA